The following is an entry in ClinVar:

NM_000257.4(MYH7):c.3669G>A (p.Glu1223=)

Gene: MYH7 (myosin heavy chain 7; minus strand). Cytogenetic location: 14q11.2.
Variant type: single nucleotide variant.
Coding change: c.3669G>A on transcript NM_000257.4 (MANE Select); coding-DNA position 3669, G replaced by A.
Protein change: p.Glu1223=; no amino-acid change (glutamic acid 1223 retained).
Molecular consequence: synonymous variant.
Genome position (GRCh38, 1-based): chr14:23,419,902, C>T on the plus strand (G>A on the coding strand, the complement: MYH7 is on the minus strand). VCF-style: chr14-23419902-C-T. GRCh37 (hg19) VCF-style: chr14-23889111-C-T.
Identifiers: ClinVar variation 525062 (VCV000525062.11), dbSNP rs1023290989, ClinGen allele CA257815403.

ClinVar aggregate classification (germline): Likely benign. Review status: criteria provided, multiple submitters, no conflicts (2 of 4 stars). 3 submissions from 3 submitters: Likely benign (3). Last evaluated 2025-11-03.

Conditions:
Cardiomyopathy (CMYO). Also called: Cardiomyopathies. Identifiers: Orphanet 167848, MedGen C0878544, MONDO:0004994, HP:0001638. Inheritance: Various modes of inheritance.
Cardiovascular phenotype. Identifiers: MedGen CN230736.
Hypertrophic cardiomyopathy. Also called: HYPERTROPHIC MYOCARDIOPATHY. Identifiers: Orphanet 217569, MedGen C0007194, MeSH D002312, MONDO:0005045, HP:0001639.

Allele frequency attached by ClinVar (database versions not stated): gnomAD 0.00001; TOPMed 0.00002.

Submissions (3):

Labcorp Genetics (formerly Invitae), Labcorp
Classification: Likely benign for Hypertrophic cardiomyopathy. Last evaluated: 2025-11-03. Review status: criteria provided, single submitter. Criteria: Invitae Variant Classification Sherloc (09022015). Collection method: clinical testing. Allele origin: germline.

All of Us Research Program, National Institutes of Health
Classification: Likely benign for Cardiomyopathy. Last evaluated: 2023-08-28. Review status: criteria provided, single submitter. Criteria: ACMG Guidelines, 2015. Collection method: clinical testing. Allele origin: germline. Inheritance: Autosomal dominant inheritance. Observed: 1 variant allele, 1 heterozygote.
Comment: This study involves interpretation of variants in research participants for the purpose of population health screening. Participant phenotype was not available at the time of variant classification. Additional details can be found in publication PMID: 35346344, PMCID: PMC8962531

Ambry Genetics
Classification: Likely benign for Cardiovascular phenotype. Last evaluated: 2023-03-16. Review status: criteria provided, single submitter. Criteria: Ambry Variant Classification Scheme 2023. Collection method: clinical testing. Allele origin: germline.